The following is an entry in ClinVar:

NM_006031.6(PCNT):c.405C>T (p.Val135=)

Gene: PCNT (pericentrin; plus strand). Cytogenetic location: 21q22.3.
Variant type: single nucleotide variant.
Coding change: c.405C>T on transcript NM_006031.6 (MANE Select); coding-DNA position 405, C replaced by T.
Protein change: p.Val135=; no amino-acid change (valine 135 retained).
Molecular consequence: synonymous variant.
Genome position (GRCh38, 1-based): chr21:46,334,534, C>T. VCF-style: chr21-46334534-C-T. GRCh37 (hg19) VCF-style: chr21-47754448-C-T.
Other names: c.51C>T, p.Val17= (NM_001315529.2).
Identifiers: ClinVar variation 196431 (VCV000196431.14), dbSNP rs371917839, ClinGen allele CA243386.
Genomic context (GRCh38, chr21:46,334,534, plus strand): 5'-GCAGTGTGGGATGTTCACAGTCAGTGACCACCCACCAGAACAGCATGGGATGTTCACAGT[C>T]GGTGACCACCCACCAGAACAGCGTGGGATGTTCACAGTCAGTGACCACCCACCAGAACAG-3'
Protein context (NP_006022.3, residues 125-145): HPPEQHGMFT[Val135=]GDHPPEQRGM

ClinVar aggregate classification (germline): Conflicting classifications of pathogenicity. Review status: criteria provided, conflicting classifications (1 of 4 stars). 3 submissions from 3 submitters: Uncertain significance (1); Likely benign (1). 1 of the submissions does not count toward it. Last evaluated 2026-01-15.

Conditions:
PCNT-related disorder. Also called: PCNT-related condition.

Allele frequency attached by ClinVar (database versions not stated): gnomAD 0.00006 and 0.00007; gnomAD exomes 0.00006; TOPMed 0.00008.
gnomAD v4.1: 99 of 1,601,544 alleles (0.0062%); highest among the groups gnomAD compares: East Asian, 0.047%; no homozygotes.

Submissions (3):

Labcorp Genetics (formerly Invitae), Labcorp
Classification: Likely benign. Last evaluated: 2026-01-15. Review status: criteria provided, single submitter. Criteria: Invitae Variant Classification Sherloc (09022015). Collection method: clinical testing. Allele origin: germline.

Eurofins Ntd Llc (ga)
Classification: Uncertain significance. Last evaluated: 2015-04-10. Review status: criteria provided, single submitter. Criteria: EGL Classification Definitions 2015. Collection method: clinical testing. Allele origin: germline. Observed: 1 variant allele, 1 heterozygote.

PreventionGenetics, part of Exact Sciences
Classification: Likely benign for PCNT-related condition. Last evaluated: 2024-04-10. Review status: no assertion criteria provided. Collection method: clinical testing. Allele origin: germline. Not counted in ClinVar's aggregate classification.
Comment: This variant is classified as likely benign based on ACMG/AMP sequence variant interpretation guidelines (Richards et al. 2015 PMID: 25741868, with internal and published modifications).